The following is an entry in ClinVar:

NM_181712.5(KANK4):c.2089AAG[1] (p.Lys698del)

Gene: KANK4 (KN motif and ankyrin repeat domains 4; minus strand). Cytogenetic location: 1p31.3.
Variant type: Microsatellite.
Coding change: c.2089AAG[1] on transcript NM_181712.5 (MANE Select); one copy of the 3-base unit AAG starting at c.2089; the reference has two copies in a row; one copy, 3 bases deleted.
Protein change: p.Lys698del; deletes lysine 698.
Molecular consequence: inframe deletion.
Genome position (GRCh38, 1-based): chr1:62,268,424-62,268,426, CTT deleted on the plus strand (AAG on the coding strand, the reverse complement: KANK4 is on the minus strand); deleting any 3 consecutive bases within chr1:62,268,424-62,268,431 gives the same sequence; the position shown is the placement nearest the transcript's 3' end. VCF-style (leftmost placement, unchanged base first): chr1-62268423-ACTT-A. GRCh37 (hg19) VCF-style: chr1-62734095-ACTT-A.
Other names: c.205AAG[1], p.Lys70del (NM_001320269.2); short protein forms K698del, K70del.
Identifiers: ClinVar variation 2873334 (VCV002873334.3), dbSNP rs1237982285, ClinGen allele CA737693825.

ClinVar aggregate classification (germline): Uncertain significance (1 of 4 stars; one submission).

Submission:

Labcorp Genetics (formerly Invitae), Labcorp
Classification: Uncertain significance. Last evaluated: 2023-08-01. Review status: criteria provided, single submitter. Criteria: Invitae Variant Classification Sherloc (09022015). Collection method: clinical testing. Allele origin: germline.
Comment: In summary, the available evidence is currently insufficient to determine the role of this variant in disease. Therefore, it has been classified as a Variant of Uncertain Significance. This variant has not been reported in the literature in individuals affected with KANK4-related conditions. This variant is not present in population databases (gnomAD no frequency). This variant, c.2092_2094del, results in the deletion of 1 amino acid(s) of the KANK4 protein (p.Lys698del), but otherwise preserves the integrity of the reading frame.